The following is an entry in ClinVar:

NM_006947.4(SRP72):c.1343C>T (p.Ser448Phe)

Gene: SRP72 (signal recognition particle 72; plus strand). Cytogenetic location: 4q12.
Variant type: single nucleotide variant.
Coding change: c.1343C>T on transcript NM_006947.4 (MANE Select); coding-DNA position 1343, C replaced by T.
Protein change: p.Ser448Phe; replaces serine 448 with phenylalanine.
Molecular consequence: missense variant. On other transcripts: non-coding transcript variant (1).
Genome position (GRCh38, 1-based): chr4:56,490,355, C>T. VCF-style: chr4-56490355-C-T. GRCh37 (hg19) VCF-style: chr4-57356521-C-T.
Other names: c.1160C>T, p.Ser387Phe (NM_001267722.2); short protein forms S387F, S448F.
Identifiers: ClinVar variation 5030271 (VCV005030271.1).

ClinVar aggregate classification (germline): Uncertain significance (1 of 4 stars; one submission).

Submission:

Ambry Genetics
Classification: Uncertain significance. Last evaluated: 2026-09-13. Review status: criteria provided, single submitter. Criteria: Ambry Variant Classification Scheme 2023. Collection method: clinical testing. Allele origin: germline.
Comment: The p.S448F variant (also known as c.1343C>T), located in coding exon 14 of the SRP72 gene, results from a C to T substitution at nucleotide position 1343. The serine at codon 448 is replaced by phenylalanine, an amino acid with highly dissimilar properties. This amino acid position is conserved. In addition, this alteration is predicted to be tolerated by in silico analysis. Based on the available evidence, the clinical significance of this variant remains unclear.